The following is an entry in ClinVar:

NM_001563.4(IMPG1):c.700C>G (p.Gln234Glu)

Gene: IMPG1 (interphotoreceptor matrix proteoglycan 1; minus strand). Cytogenetic location: 6q14.1.
Variant type: single nucleotide variant.
Coding change: c.700C>G on transcript NM_001563.4 (MANE Select); coding-DNA position 700, C replaced by G.
Protein change: p.Gln234Glu; replaces glutamine 234 with glutamic acid.
Molecular consequence: missense variant.
Genome position (GRCh38, 1-based): chr6:76,018,825, G>C on the plus strand (C>G on the coding strand, the complement: IMPG1 is on the minus strand). VCF-style: chr6-76018825-G-C. GRCh37 (hg19) VCF-style: chr6-76728542-G-C.
Other names: c.466C>G, p.Gln156Glu (NM_001282368.2); short protein forms Q156E, Q234E.
Identifiers: ClinVar variation 4721756 (VCV004721756.1).

ClinVar aggregate classification (germline): Uncertain significance (1 of 4 stars; one submission).

Submission:

Labcorp Genetics (formerly Invitae), Labcorp
Classification: Uncertain significance. Last evaluated: 2025-06-24. Review status: criteria provided, single submitter. Criteria: Invitae Variant Classification Sherloc (09022015). Collection method: clinical testing. Allele origin: germline.
Comment: This sequence change replaces glutamine, which is neutral and polar, with glutamic acid, which is acidic and polar, at codon 234 of the IMPG1 protein (p.Gln234Glu). This variant is not present in population databases (gnomAD no frequency). This variant has not been reported in the literature in individuals affected with IMPG1-related conditions. An algorithm developed to predict the effect of missense changes on protein structure and function outputs the following: PolyPhen-2: "Benign". The glutamic acid amino acid residue is found in multiple mammalian species, which suggests that this missense change does not adversely affect protein function. In summary, the available evidence is currently insufficient to determine the role of this variant in disease. Therefore, it has been classified as a Variant of Uncertain Significance.